The following is an entry in ClinVar:

NM_002180.3(IGHMBP2):c.2054A>T (p.Glu685Val)

Gene: IGHMBP2 (immunoglobulin mu DNA binding protein 2; plus strand). Cytogenetic location: 11q13.3.
Variant type: single nucleotide variant.
Coding change: c.2054A>T on transcript NM_002180.3 (MANE Select); coding-DNA position 2054, A replaced by T.
Protein change: p.Glu685Val; replaces glutamic acid 685 with valine.
Molecular consequence: missense variant.
Genome position (GRCh38, 1-based): chr11:68,936,534, A>T. VCF-style: chr11-68936534-A-T. GRCh37 (hg19) VCF-style: chr11-68704002-A-T.
Other names: short protein forms E685V.
Identifiers: ClinVar variation 972133 (VCV000972133.10), dbSNP rs1859535801, ClinGen allele CA381652714.

ClinVar aggregate classification (germline): Uncertain significance (1 of 4 stars; one submission).

Conditions:
Autosomal recessive distal spinal muscular atrophy 1. Also called: SEVERE INFANTILE AXONAL NEUROPATHY WITH RESPIRATORY FAILURE; SPINAL MUSCULAR ATROPHY, DIAPHRAGMATIC; Spinal muscular atrophy with respiratory distress 1; HMN VI; NEURONOPATHY, SEVERE INFANTILE AXONAL, WITH RESPIRATORY FAILURE; NEURONOPATHY, DISTAL HEREDITARY MOTOR, HARDING TYPE VI. Identifiers: Orphanet 98920, MedGen C1858517, MONDO:0011436, OMIM 604320.
Charcot-Marie-Tooth disease axonal type 2S. Also called: CHARCOT-MARIE-TOOTH NEUROPATHY, TYPE 2S; CHARCOT-MARIE-TOOTH DISEASE, AXONAL, AUTOSOMAL RECESSIVE, TYPE 2S. Identifiers: Orphanet 443073, MedGen C4015349, MONDO:0014511, OMIM 616155.

Submission:

Labcorp Genetics (formerly Invitae), Labcorp
Classification: Uncertain significance for Autosomal recessive distal spinal muscular atrophy 1; Charcot-Marie-Tooth disease axonal type 2S. Last evaluated: 2019-10-17. Review status: criteria provided, single submitter. Criteria: Invitae Variant Classification Sherloc (09022015). Collection method: clinical testing. Allele origin: germline.
Comment: Algorithms developed to predict the effect of missense changes on protein structure and function (SIFT, PolyPhen-2, Align-GVGD) all suggest that this variant is likely to be tolerated, but these predictions have not been confirmed by published functional studies and their clinical significance is uncertain. In summary, the available evidence is currently insufficient to determine the role of this variant in disease. Therefore, it has been classified as a Variant of Uncertain Significance. Algorithms developed to predict the effect of sequence changes on RNA splicing suggest that this variant may create or strengthen a splice site, but this prediction has not been confirmed by published transcriptional studies. This variant has not been reported in the literature in individuals with IGHMBP2-related conditions. This variant is not present in population databases (ExAC no frequency). This sequence change replaces glutamic acid with valine at codon 685 of the IGHMBP2 protein (p.Glu685Val). The glutamic acid residue is weakly conserved and there is a moderate physicochemical difference between glutamic acid and valine.